The following is an entry in ClinVar:

NM_000257.4(MYH7):c.2085_2097dup (p.Glu700fs)

Gene: MYH7 (myosin heavy chain 7; minus strand). Cytogenetic location: 14q11.2.
Variant type: Duplication.
Coding change: c.2085_2097dup on transcript NM_000257.4 (MANE Select); coding-DNA positions 2085 to 2097, 13 bases duplicated (CAATGGTGTGCTG).
Protein change: p.Glu700fs; shifts the reading frame from glutamic acid 700.
Molecular consequence: frameshift variant.
Genome position (GRCh38, 1-based): chr14:23,426,029-23,426,041, CAGCACACCATTG duplicated on the plus strand (CAATGGTGTGCTG on the coding strand, the reverse complement: MYH7 is on the minus strand); duplicating any 13 consecutive bases within chr14:23,426,029-23,426,045 gives the same sequence; the c. name uses the placement nearest the transcript's 3' end. VCF-style (leftmost placement, unchanged base first): chr14-23426028-C-CCAGCACACCATTG. GRCh37 (hg19) VCF-style: chr14-23895237-C-CCAGCACACCATTG.
Other names: c.2085_2097dup, p.Glu700fs (NM_001407004.1); short protein forms E700fs.
Identifiers: ClinVar variation 3704449 (VCV003704449.2).
Genomic context (GRCh38, chr14:23,426,028, plus strand): 5'-GCCGGAAGTCCCCGTAGAGGATGCGGTTGGGGAAGCCTTTCCTGCAGATGCGGATGCCCT[C>CCAGCACACCATTG]CAGCACACCATTGCAGCGCAGCTGGTGCATGACCAGGGGGTTGTCCATCACCCCTGTGGC-3'

ClinVar aggregate classification (germline): Uncertain significance (1 of 4 stars; one submission).

Conditions:
Hypertrophic cardiomyopathy. Also called: HYPERTROPHIC MYOCARDIOPATHY. Identifiers: Orphanet 217569, MedGen C0007194, MeSH D002312, MONDO:0005045, HP:0001639.

Submission:

Labcorp Genetics (formerly Invitae), Labcorp
Classification: Uncertain significance for Hypertrophic cardiomyopathy. Last evaluated: 2024-02-02. Review status: criteria provided, single submitter. Criteria: Invitae Variant Classification Sherloc (09022015). Collection method: clinical testing. Allele origin: germline.
Comment: This sequence change creates a premature translational stop signal (p.Glu700Glnfs*37) in the MYH7 gene. It is expected to result in an absent or disrupted protein product. However, the current clinical and genetic evidence is not sufficient to establish whether loss-of-function variants in MYH7 cause disease. This variant is not present in population databases (gnomAD no frequency). This premature translational stop signal has been observed in individual(s) with noncompaction cardiomyopathy (PMID: 29447731). In summary, the available evidence is currently insufficient to determine the role of this variant in disease. Therefore, it has been classified as a Variant of Uncertain Significance.

Literature cited by the submitters: PubMed 29447731.